The following is an entry in ClinVar:

NM_002968.3(SALL1):c.76+5G>A

Gene: SALL1 (spalt like transcription factor 1; minus strand). Cytogenetic location: 16q12.1.
Variant type: single nucleotide variant.
Coding change: c.76+5G>A on transcript NM_002968.3 (MANE Select); 5 bases into the intron after coding-DNA position 76, G replaced by A.
Molecular consequence: intron variant.
Genome position (GRCh38, 1-based): chr16:51,151,161, C>T on the plus strand (G>A on the coding strand, the complement: SALL1 is on the minus strand). VCF-style: chr16-51151161-C-T. GRCh37 (hg19) VCF-style: chr16-51185072-C-T.
Identifiers: ClinVar variation 2745434 (VCV002745434.3), dbSNP rs777802829, ClinGen allele CA2633183355.
Genomic context (GRCh38, chr16:51,151,161, plus strand): 5'-GGGTCCGAGTGTGCGTGAGTGTGAGTGCGTGTGTGTGTGTCCACGGCGCGGGCCGGAGCA[C>T]TCACCATCTCGCCGGGGGAGCGAGGCCACTTCGGGGTCGGATTGGAAATGTTGAGGCTTC-3'

ClinVar aggregate classification (germline): Pathogenic (1 of 4 stars; one submission).

Conditions:
Townes syndrome (TBS). Also called: Townes-Brocks syndrome. Identifiers: Orphanet 857, MedGen C0265246, MeSH C536974, MONDO:0007142.

Submission:

Labcorp Genetics (formerly Invitae), Labcorp
Classification: Pathogenic for Townes syndrome. Last evaluated: 2023-12-13. Review status: criteria provided, single submitter. Criteria: Invitae Variant Classification Sherloc (09022015). Collection method: clinical testing. Allele origin: germline.
Comment: This sequence change falls in intron 1 of the SALL1 gene. It does not directly change the encoded amino acid sequence of the SALL1 protein. It affects a nucleotide within the consensus splice site. This variant is not present in population databases (gnomAD no frequency). This variant has been observed in individual(s) with clinical features of Townes-Brocks syndrome (Invitae). In at least one individual the variant was observed to be de novo. Variants that disrupt the consensus splice site are a relatively common cause of aberrant splicing (PMID: 17576681, 9536098). Algorithms developed to predict the effect of sequence changes on RNA splicing suggest that this variant may disrupt the consensus splice site. For these reasons, this variant has been classified as Pathogenic.

Literature cited by the submitters: PubMed 17576681; PubMed 9536098.